The following is an entry in ClinVar:

ClinVar aggregate classification (germline): no classifications from unflagged records (0 of 4 stars; one submission).

Conditions:
Immunodeficiency, common variable, 6. Also called: ANTIBODY DEFICIENCY DUE TO CD81 DEFECT. Identifiers: Orphanet 1572, MedGen C3150741, MONDO:0013286, OMIM 613496.

Submission:

OMIM
Classification: Pathogenic for IMMUNODEFICIENCY, COMMON VARIABLE, 6 (1 patient). Last evaluated: 2010-04-01. Review status: flagged submission. Collection method: literature only. Allele origin: unknown.
ClinVar note: Notes: Flagging candidate with reason of insufficient supporting evidence. This gene has been classified as having a limited gene-disease relationship by a ClinGen Expert Panel.
ClinVar note: Reason: P/LP classification for a variant in a gene with insufficient evidence for a gene-disease relationship

Literature cited by the submitters: PubMed 20237408.

NM_004356.4(CD81):c.561+1G>A

Gene: CD81 (CD81 molecule; plus strand). Cytogenetic location: 11p15.5.
Variant type: single nucleotide variant.
Coding change: c.561+1G>A on transcript NM_004356.4 (MANE Select); the canonical splice donor site of the intron after coding-DNA position 561, G replaced by A.
Molecular consequence: splice donor variant.
Genome position (GRCh38, 1-based): chr11:2,395,971, G>A. VCF-style: chr11-2395971-G-A. GRCh37 (hg19) VCF-style: chr11-2417201-G-A.
Other names: IVS6DS, G-A, +1; c.348+1G>A (NM_001297649.2).
Identifiers: ClinVar variation 12743 (VCV000012743.1), dbSNP rs587776775, ClinGen allele CA122675.